The following is an entry in ClinVar:

NM_000204.5(CFI):c.616T>A (p.Tyr206Asn)

Gene: CFI (complement factor I; minus strand). Cytogenetic location: 4q25.
Variant type: single nucleotide variant.
Coding change: c.616T>A on transcript NM_000204.5 (MANE Select); coding-DNA position 616, T replaced by A.
Protein change: p.Tyr206Asn; replaces tyrosine 206 with asparagine.
Molecular consequence: missense variant. On other transcripts: non-coding transcript variant (3).
Genome position (GRCh38, 1-based): chr4:109,761,559, A>T on the plus strand (T>A on the coding strand, the complement: CFI is on the minus strand). VCF-style: chr4-109761559-A-T. GRCh37 (hg19) VCF-style: chr4-110682715-A-T.
Other names: c.616T>A, p.Tyr206Asn (NM_001318057.2, NM_001331035.2, NM_001375278.1 and 5 more transcripts); c.7T>A, p.Tyr3Asn (NM_001375284.1); short protein forms Y206N, Y3N.
Identifiers: ClinVar variation 1337881 (VCV001337881.13), dbSNP rs371623439, ClinGen allele CA3042218.

ClinVar aggregate classification (germline): Conflicting classifications of pathogenicity. Review status: criteria provided, conflicting classifications (1 of 4 stars). 4 submissions from 4 submitters: Uncertain significance (3); Likely benign (1). Last evaluated 2025-09-26.

Conditions:
Atypical hemolytic-uremic syndrome. Identifiers: Orphanet 2134, MedGen C2931788, MONDO:0016244.
Factor I deficiency (CFID). Also called: Complement factor I deficiency. Identifiers: Orphanet 200418, MedGen C3463916, MONDO:0012594, OMIM 610984.
Atypical hemolytic-uremic syndrome with I factor anomaly. Also called: HEMOLYTIC UREMIC SYNDROME, ATYPICAL, SUSCEPTIBILITY TO, 3; AHUS, SUSCEPTIBILITY TO, 3. Identifiers: Orphanet 2134, MedGen C2752039, MONDO:0013041, OMIM 612923.
Age related macular degeneration 13. Identifiers: MedGen C3809523, MONDO:0014189, OMIM 615439.

Allele frequency attached by ClinVar (database versions not stated): TOPMed 0.00003; gnomAD exomes 0.00007; ESP Exome Variant Server 0.00008; ExAC 0.00013.
gnomAD v4.1: 50 of 1,614,034 alleles (0.0031%); highest among the groups gnomAD compares: Non-Finnish European, 0.0042%; no homozygotes.

Submissions (4):

Genomenon, Inc
Classification: Uncertain significance for Atypical hemolytic-uremic syndrome. Last evaluated: 2025-09-26. Review status: criteria provided, single submitter. Criteria: Genomenon Sequence Variant Interpretation Standards - Updated. Collection method: curation. Allele origin: germline. Affected: yes.
Comment: CFI p.Tyr206Asn (c.616T>A) is a missense variant that changes the amino acid at residue 206 from Tyrosine to Asparagine. This variant has been observed in at least one proband affected with atypical hemolytic-uremic syndrome (PMID:37744338). Functional studies have been reported; however, the significance of the findings remain unclear (PMID:32510551). It is absent or not present at a significant frequency in gnomAD. In silico models agree that this variant is not damaging. In conclusion, we classify CFI p.Tyr206Asn (c.616T>A) as a variant of unknown significance.

Fulgent Genetics
Classification: Uncertain significance for Factor I deficiency; Atypical hemolytic-uremic syndrome with I factor anomaly; Age related macular degeneration 13. Last evaluated: 2024-05-15. Review status: criteria provided, single submitter. Criteria: ACMG Guidelines, 2015. Collection method: clinical testing. Allele origin: germline.

Labcorp Genetics (formerly Invitae), Labcorp
Classification: Likely benign. Last evaluated: 2023-12-02. Review status: criteria provided, single submitter. Criteria: Invitae Variant Classification Sherloc (09022015). Collection method: clinical testing. Allele origin: germline.

Genetic Services Laboratory, University of Chicago
Classification: Uncertain significance. Last evaluated: 2021-04-02. Review status: criteria provided, single submitter. Criteria: ACMG Guidelines, 2015. Collection method: clinical testing. Allele origin: germline. Affected: no.
Comment: DNA sequence analysis of the CFI gene demonstrated a sequence change, c.616T>A, in exon 4 that results in an amino acid change, p.Tyr206Asn. This sequence change has been described gnomAD with a frequency of 0.014% in the Non-Finnish European sub-population (dbSNP rs371623439). The p.Tyr206Asn change affects a poorly conserved amino acid residue located in a domain of the CFI protein that is known to be functional. The p.Tyr206Asn substitution appears to be benign using several in-silico pathogenicity prediction tools (SIFT, PolyPhen2, Align GVGD, REVEL). This sequence change does not appear to have been previously described in patients with CFI-related disorders. Due to the lack of sufficient evidences, the clinical significance of the p.Tyr206Asn change remains unknown at this time.

Literature cited by the submitters: PubMed 37744338 (cited by Genomenon, Inc); 32510551 (cited by Genomenon, Inc).